The following is an entry in ClinVar:

NM_020949.3(SLC7A14):c.1988T>C (p.Phe663Ser)

Genes: SLC7A14 (solute carrier family 7 member 14; minus strand), SLC7A14-AS1 (SLC7A14 antisense RNA 1; plus strand). Cytogenetic location: 3q26.2.
Variant type: single nucleotide variant.
Coding change: c.1988T>C on transcript NM_020949.3 (MANE Select); coding-DNA position 1988, T replaced by C.
Protein change: p.Phe663Ser; replaces phenylalanine 663 with serine.
Molecular consequence: missense variant.
Genome position (GRCh38, 1-based): chr3:170,480,294, A>G on the plus strand (T>C on the coding strand, the complement: SLC7A14 is on the minus strand). VCF-style: chr3-170480294-A-G. GRCh37 (hg19) VCF-style: chr3-170198083-A-G.
Other names: short protein forms F663S.
Identifiers: ClinVar variation 2737546 (VCV002737546.3), dbSNP rs2473366661, ClinGen allele CA355488120.

ClinVar aggregate classification (germline): Uncertain significance (1 of 4 stars; one submission).

Submission:

Labcorp Genetics (formerly Invitae), Labcorp
Classification: Uncertain significance. Last evaluated: 2023-07-07. Review status: criteria provided, single submitter. Criteria: Invitae Variant Classification Sherloc (09022015). Collection method: clinical testing. Allele origin: germline.
Comment: This variant is not present in population databases (gnomAD no frequency). This sequence change replaces phenylalanine, which is neutral and non-polar, with serine, which is neutral and polar, at codon 663 of the SLC7A14 protein (p.Phe663Ser). This variant has not been reported in the literature in individuals affected with SLC7A14-related conditions. In summary, the available evidence is currently insufficient to determine the role of this variant in disease. Therefore, it has been classified as a Variant of Uncertain Significance. An algorithm developed to predict the effect of missense changes on protein structure and function (PolyPhen-2) suggests that this variant is likely to be tolerated.